The following is an entry in ClinVar:

NM_001407.3(CELSR3):c.3375G>A (p.Thr1125=)

Gene: CELSR3 (cadherin EGF LAG seven-pass G-type receptor 3; minus strand). Cytogenetic location: 3p21.31.
Variant type: single nucleotide variant.
Coding change: c.3375G>A on transcript NM_001407.3 (MANE Select); coding-DNA position 3375, G replaced by A.
Protein change: p.Thr1125=; no amino-acid change (threonine 1125 retained).
Molecular consequence: synonymous variant.
Genome position (GRCh38, 1-based): chr3:48,659,260, C>T on the plus strand (G>A on the coding strand, the complement: CELSR3 is on the minus strand). VCF-style: chr3-48659260-C-T. GRCh37 (hg19) VCF-style: chr3-48696693-C-T.
Identifiers: ClinVar variation 3052455 (VCV003052455.2), dbSNP rs200128579, ClinGen allele CA2385135.
Genomic context (GRCh38, chr3:48,659,260, plus strand): 5'-TGTGGCCTGCACCACAATCACATATTCTTGGCGAGCCTCATAGTCTAGGTCAATGAGTGC[C>T]GTCAGTTCTCCAGAGAAGATGTCCATTTGGAACAGCTCAGGGATGTTCCCCTCCACGATC-3'
Protein context (NP_001398.2, residues 1115-1135): FQMDIFSGEL[Thr1125=]ALIDLDYEAR

ClinVar aggregate classification (germline): Likely benign (0 of 4 stars; one submission).

Conditions:
CELSR3-related disorder. Also called: CELSR3-related condition.

Allele frequency attached by ClinVar (database versions not stated): ExAC 0.00001; gnomAD 0.00002; TOPMed 0.00003; 1000 Genomes Project 0.00020; 1000 Genomes Project 30x 0.00031.
gnomAD v4.1: 41 of 1,614,138 alleles (0.0025%); highest among the groups gnomAD compares: Non-Finnish European, 0.0029%; no homozygotes.

Submission:

PreventionGenetics, part of Exact Sciences
Classification: Likely benign for CELSR3-related condition. Last evaluated: 2019-09-05. Review status: no assertion criteria provided. Collection method: clinical testing. Allele origin: germline.
Comment: This variant is classified as likely benign based on ACMG/AMP sequence variant interpretation guidelines (Richards et al. 2015 PMID: 25741868, with internal and published modifications).